The following is an entry in ClinVar:

ClinVar aggregate classification (germline): Likely pathogenic (1 of 4 stars; one submission).

Conditions:
Oculocutaneous albinism type 1. Also called: Albinism 1; ALBINISM I. Identifiers: Orphanet 352731, MedGen C0268494, MONDO:0018135. Disease mechanism: loss of function.

gnomAD v4.1: 11 of 1,614,010 alleles (0.00068%); highest among the groups gnomAD compares: South Asian, 0.012%; no homozygotes.

Submission:

Department of Clinical Genetics, Copenhagen University Hospital, Rigshospitalet
Classification: Likely pathogenic for Oculocutaneous albinism type 1. Last evaluated: 2025-05-23. Review status: criteria provided, single submitter. Criteria: ACMG Guidelines, 2015. Collection method: clinical testing. Allele origin: germline.
Comment: The following ACMG criteria has been used: PM5, PM3, PP3_mod, PM2_sup

NM_000372.5(TYR):c.1453G>C (p.Gly485Arg)

Gene: TYR (tyrosinase; plus strand). Cytogenetic location: 11q14.3.
Variant type: single nucleotide variant.
Coding change: c.1453G>C on transcript NM_000372.5 (MANE Select); coding-DNA position 1453, G replaced by C.
Protein change: p.Gly485Arg; replaces glycine 485 with arginine.
Molecular consequence: missense variant.
Genome position (GRCh38, 1-based): chr11:89,295,229, G>C. VCF-style: chr11-89295229-G-C. GRCh37 (hg19) VCF-style: chr11-89028397-G-C.
Other names: short protein forms G485R.
Identifiers: ClinVar variation 4073696 (VCV004073696.1).
Genomic context (GRCh38, chr11:89,295,229, plus strand): 5'-AAGTCCTATTTGGAACAAGCGAGTCGGATCTGGTCATGGCTCCTTGGGGCGGCGATGGTA[G>C]GGGCCGTCCTCACTGCCCTGCTGGCAGGGCTTGTGAGCTTGCTGTGTCGTCACAAGAGAA-3'
Protein context (NP_000363.1, residues 475-495): WSWLLGAAMV[Gly485Arg]AVLTALLAGL